The following is an entry in ClinVar:

ClinVar aggregate classification (germline): Uncertain significance. Review status: criteria provided, multiple submitters, no conflicts (2 of 4 stars). 4 submissions from 4 submitters: Uncertain significance (4). Last evaluated 2025-04-24.

Conditions:
Juvenile polyposis syndrome (JPS). Identifiers: Orphanet 2929, MedGen C0345893, MONDO:0017380, OMIM 174900.
Hereditary cancer-predisposing syndrome. Also called: Neoplastic Syndromes, Hereditary; Hereditary neoplastic syndrome; Tumor predisposition; Hereditary Cancer Syndrome. Identifiers: Orphanet 140162, MedGen C0027672, MeSH D009386, MONDO:0015356.

Submissions (4):

Ambry Genetics
Classification: Uncertain significance for Hereditary cancer-predisposing syndrome. Last evaluated: 2025-04-24. Review status: criteria provided, single submitter. Criteria: Ambry Variant Classification Scheme 2023. Collection method: clinical testing. Allele origin: germline.
Comment: The p.D148G variant (also known as c.443A>G), located in coding exon 5 of the BMPR1A gene, results from an A to G substitution at nucleotide position 443. The aspartic acid at codon 148 is replaced by glycine, an amino acid with similar properties. This amino acid position is well conserved in available vertebrate species. In addition, the in silico prediction for this alteration is inconclusive. Based on the available evidence, the clinical significance of this variant remains unclear.

Labcorp Genetics (formerly Invitae), Labcorp
Classification: Uncertain significance for Juvenile polyposis syndrome. Last evaluated: 2023-10-03. Review status: criteria provided, single submitter. Criteria: Invitae Variant Classification Sherloc (09022015). Collection method: clinical testing. Allele origin: germline.
Comment: This sequence change replaces aspartic acid, which is acidic and polar, with glycine, which is neutral and non-polar, at codon 148 of the BMPR1A protein (p.Asp148Gly). This variant is not present in population databases (gnomAD no frequency). This variant has not been reported in the literature in individuals affected with BMPR1A-related conditions. ClinVar contains an entry for this variant (Variation ID: 845639). Advanced modeling performed at Invitae incorporating data from internal and/or published experimental studies (Invitae) indicates that this missense variant is not expected to disrupt BMPR1A function. In summary, the available evidence is currently insufficient to determine the role of this variant in disease. Therefore, it has been classified as a Variant of Uncertain Significance.

GeneDx
Classification: Uncertain significance. Last evaluated: 2023-06-28. Review status: criteria provided, single submitter. Criteria: GeneDx Variant Classification Process June 2021. Collection method: clinical testing. Allele origin: germline. Affected: yes.
Comment: Not observed at significant frequency in large population cohorts (gnomAD); In silico analysis supports that this missense variant does not alter protein structure/function; Has not been previously published as pathogenic or benign to our knowledge

Institute for Clinical Genetics, University Hospital TU Dresden, University Hospital TU Dresden
Classification: Uncertain significance. Last evaluated: 2021-11-03. Review status: criteria provided, single submitter. Criteria: ACMG Guidelines, 2015. Collection method: clinical testing. Allele origin: germline.

NM_004329.3(BMPR1A):c.443A>G (p.Asp148Gly)

Gene: BMPR1A (bone morphogenetic protein receptor type 1A; plus strand). Cytogenetic location: 10q23.2.
Variant type: single nucleotide variant.
Coding change: c.443A>G on transcript NM_004329.3 (MANE Select); coding-DNA position 443, A replaced by G.
Protein change: p.Asp148Gly; replaces aspartic acid 148 with glycine.
Molecular consequence: missense variant.
Genome position (GRCh38, 1-based): chr10:86,900,039, A>G. VCF-style: chr10-86900039-A-G. GRCh37 (hg19) VCF-style: chr10-88659796-A-G.
Other names: short protein forms D148G.
Identifiers: ClinVar variation 845639 (VCV000845639.16), dbSNP rs1589768201, ClinGen allele CA377450146.
Genomic context (GRCh38, chr10:86,900,039, plus strand): 5'-GATTATTTTTTCATTTCAATTGTTTACATTGTTTACTTTTATTGTCAGGTCCGTTTTTTG[A>G]TGGCAGCATTCGATGGCTGGTTTTGCTCATTTCTATGGCTGTCTGCATAATTGCTATGAT-3'
Protein context (NP_004320.2, residues 138-158): LPPVVIGPFF[Asp148Gly]GSIRWLVLLI